The following is an entry in ClinVar:

ClinVar aggregate classification (germline): Pathogenic (1 of 4 stars; one submission).

Submission:

Labcorp Genetics (formerly Invitae), Labcorp
Classification: Pathogenic. Last evaluated: 2020-06-04. Review status: criteria provided, single submitter. Criteria: Invitae Variant Classification Sherloc (09022015). Collection method: clinical testing. Allele origin: germline.
Comment: This sequence change results in a premature translational stop signal in the GJB2 gene (p.His67Glnfs*35). While this is not anticipated to result in nonsense mediated decay, it is expected to disrupt the last 160 amino acids of the GJB2 protein. This variant is not present in population databases (ExAC no frequency). This variant has not been reported in the literature in individuals with GJB2-related conditions. This variant disrupts the C-terminus of the GJB2 protein. Other variant(s) that disrupt this region (p.Cys211Leufs*5) have been determined to be pathogenic (PMID: 9529365, 12910486, 20863150). This suggests that variants that disrupt this region of the protein are likely to be causative of disease. For these reasons, this variant has been classified as Pathogenic.

Literature cited by the submitters: PubMed 9529365; PubMed 12910486; PubMed 20863150.

NM_004004.6(GJB2):c.200dup (p.His67fs)

Gene: GJB2 (gap junction protein beta 2; minus strand). Cytogenetic location: 13q12.11.
Variant type: Duplication.
Coding change: c.200dup on transcript NM_004004.6 (MANE Select); coding-DNA position 200, one base duplicated (A; older notation c.200dupA).
Protein change: p.His67fs; shifts the reading frame from histidine 67.
Molecular consequence: frameshift variant.
Genome position (GRCh38, 1-based): chr13:20,189,382, T duplicated on the plus strand (A on the coding strand, the reverse complement: GJB2 is on the minus strand). VCF-style (leftmost placement, unchanged base first): chr13-20189381-G-GT. GRCh37 (hg19) VCF-style: chr13-20763520-G-GT.
Other names: short protein forms H67fs.
Identifiers: ClinVar variation 1076706 (VCV001076706.9), dbSNP rs2137308372, ClinGen allele CA2499221954.